The following is an entry in ClinVar:

NM_138694.4(PKHD1):c.3782del (p.Gly1261fs)

Gene: PKHD1 (PKHD1 ciliary IPT domain containing fibrocystin/polyductin; minus strand). Cytogenetic location: 6p12.2.
Variant type: Deletion.
Coding change: c.3782del on transcript NM_138694.4 (MANE Select); coding-DNA position 3782, one base deleted (G; older notation c.3782delG).
Protein change: p.Gly1261fs; shifts the reading frame from glycine 1261.
Molecular consequence: frameshift variant.
Genome position (GRCh38, 1-based): chr6:52,026,028, C deleted on the plus strand (G on the coding strand, the reverse complement: PKHD1 is on the minus strand); the first of 3 consecutive C bases (chr6:52,026,028-52,026,030); deleting any one gives the same sequence. VCF-style (leftmost placement, unchanged base first): chr6-52026027-GC-G. GRCh37 (hg19) VCF-style: chr6-51890825-GC-G.
Other names: c.3782del, p.Gly1261fs (NM_170724.3); short protein forms G1261fs.
Identifiers: ClinVar variation 4816647 (VCV004816647.1).
Genomic context (GRCh38, chr6:52,026,027, plus strand): 5'-ACCACGGGCGAAGAACCTGTTGCCAGCCCAGACCTCCACGGCAGCTGGAACAGTGGGAGC[GC>G]CCGCATCGGGTATCTGGGGGGCTGGCAGGGTTTCACACCAGATGCTCGCCTCCGTTAAGT-3'

ClinVar aggregate classification (germline): Likely pathogenic (1 of 4 stars; one submission).

Conditions:
Autosomal recessive polycystic kidney disease (ARPKD). Also called: AR polycystic kidney disease. Identifiers: Orphanet 731, Orphanet 8378, MedGen C0085548, MeSH D017044, MONDO:0009889.

Submission:

Natera, Inc.
Classification: Likely pathogenic for Autosomal recessive polycystic kidney disease. Last evaluated: 2024-04-24. Review status: criteria provided, single submitter. Criteria: Natera Variant Classification Schema (03/2026). Collection method: clinical testing. Allele origin: germline.
Comment: The c.3782delG variant in PKHD1 is a frameshift variant predicted to shift the reading frame beginning at codon 1261 and leads to a stop codon 42 codons downstream. This variant is expected to result in nonsense mediated decay, truncation, or a dysfunctional protein product. This variant is rare in the general population with a frequency below the threshold expected for the associated phenotype(s). Given the available evidence, this variant is classified as Likely Pathogenic.